The following is an entry in ClinVar:

ClinVar aggregate classification (germline): Conflicting classifications of pathogenicity. Review status: criteria provided, conflicting classifications (1 of 4 stars). 4 submissions from 4 submitters: Uncertain significance (3); Likely benign (1). Last evaluated 2026-01-05.

Conditions:
CACNA1D-related disorder.
Inborn genetic diseases. Identifiers: MedGen C0950123, MeSH D030342.

gnomAD v4.1: 23 of 1,613,424 alleles (0.0014%); highest among the groups gnomAD compares: African/African-American, 0.021%; no homozygotes.

Submissions (4):

Labcorp Genetics (formerly Invitae), Labcorp
Classification: Likely benign. Last evaluated: 2026-01-05. Review status: criteria provided, single submitter. Criteria: Invitae Variant Classification Sherloc (09022015). Collection method: clinical testing. Allele origin: germline.

Ambry Genetics
Classification: Uncertain significance for Inborn genetic diseases. Last evaluated: 2025-03-14. Review status: criteria provided, single submitter. Criteria: Ambry Variant Classification Scheme 2023. Collection method: clinical testing. Allele origin: germline.

PreventionGenetics, part of Exact Sciences
Classification: Uncertain significance for CACNA1D-related condition. Last evaluated: 2025-02-10. Review status: criteria provided, single submitter. Criteria: ACMG Guidelines, 2015. Collection method: clinical testing. Allele origin: germline.
Comment: The CACNA1D c.3436G>T variant is predicted to result in the amino acid substitution p.Val1146Leu. To our knowledge, this variant has not been reported in the literature. This variant is reported in 0.028% of alleles in individuals of African descent in gnomAD. At this time, the clinical significance of this variant is uncertain due to the absence of conclusive functional and genetic evidence.

GeneDx
Classification: Uncertain significance. Last evaluated: 2022-09-30. Review status: criteria provided, single submitter. Criteria: GeneDx Variant Classification Process June 2021. Collection method: clinical testing. Allele origin: germline. Affected: yes.
Comment: In silico analysis supports that this missense variant does not alter protein structure/function; Has not been previously published as pathogenic or benign to our knowledge

NM_001128840.3(CACNA1D):c.3376G>T (p.Val1126Leu)

Genes: CACNA1D (calcium voltage-gated channel subunit alpha1 D; plus strand), LOC129936904 (ATAC-STARR-seq lymphoblastoid active region 19969; plus strand). Cytogenetic location: 3p21.1.
Variant type: single nucleotide variant.
Coding change: c.3376G>T on transcript NM_001128840.3 (MANE Select); coding-DNA position 3376, G replaced by T.
Protein change: p.Val1126Leu; replaces valine 1126 with leucine.
Molecular consequence: missense variant.
Genome position (GRCh38, 1-based): chr3:53,749,329, G>T. VCF-style: chr3-53749329-G-T. GRCh37 (hg19) VCF-style: chr3-53783356-G-T.
Other names: c.3436G>T (NM_000720.2, NM_000720.3); c.3436G>T, p.Val1146Leu (NM_000720.4); c.3376G>T, p.Val1126Leu (NM_001128839.3); short protein forms V1146L, V1126L.
Identifiers: ClinVar variation 2189004 (VCV002189004.7), dbSNP rs778371783, ClinGen allele CA2454567.